The following is an entry in ClinVar:

NM_001987.5(ETV6):c.825C>G (p.His275Gln)

Gene: ETV6 (ETS variant transcription factor 6; plus strand). Cytogenetic location: 12p13.2.
Variant type: single nucleotide variant.
Coding change: c.825C>G on transcript NM_001987.5 (MANE Select); coding-DNA position 825, C replaced by G.
Protein change: p.His275Gln; replaces histidine 275 with glutamine.
Molecular consequence: missense variant.
Genome position (GRCh38, 1-based): chr12:11,869,785, C>G. VCF-style: chr12-11869785-C-G. GRCh37 (hg19) VCF-style: chr12-12022719-C-G.
Other names: c.822C>G, p.His274Gln (NM_001413913.1); c.798C>G, p.His266Gln (NM_001413914.1); c.561C>G, p.His187Gln (NM_001413915.1); c.825C>G, p.His275Gln (NM_001413916.1, NM_001413917.1); short protein forms H187Q, H266Q, H274Q, H275Q.
Identifiers: ClinVar variation 4020073 (VCV004020073.1).

ClinVar aggregate classification (germline): Uncertain significance (1 of 4 stars; one submission).

Conditions:
Inborn genetic diseases. Identifiers: MedGen C0950123, MeSH D030342.

Submission:

Ambry Genetics
Classification: Uncertain significance for Inborn genetic diseases. Last evaluated: 2025-04-17. Review status: criteria provided, single submitter. Criteria: Ambry Variant Classification Scheme 2023. Collection method: clinical testing. Allele origin: germline.
Comment: The p.H275Q variant (also known as c.825C>G), located in coding exon 5 of the ETV6 gene, results from a C to G substitution at nucleotide position 825. The histidine at codon 275 is replaced by glutamine, an amino acid with highly similar properties. This amino acid position is conserved. In addition, this alteration is predicted to be tolerated by in silico analysis. Based on the available evidence, the clinical significance of this variant remains unclear.